The following is an entry in ClinVar:

NM_006767.4(LZTR1):c.400+4A>T

Gene: LZTR1 (leucine zipper like post translational regulator 1; plus strand). Cytogenetic location: 22q11.21.
Variant type: single nucleotide variant.
Coding change: c.400+4A>T on transcript NM_006767.4 (MANE Select); 4 bases into the intron after coding-DNA position 400, A replaced by T.
Molecular consequence: intron variant.
Genome position (GRCh38, 1-based): chr22:20,987,587, A>T. VCF-style: chr22-20987587-A-T. GRCh37 (hg19) VCF-style: chr22-21341876-A-T.
Identifiers: ClinVar variation 4859355 (VCV004859355.1).

ClinVar aggregate classification (germline): Uncertain significance (1 of 4 stars; one submission).

Conditions:
Cardiovascular phenotype. Identifiers: MedGen CN230736.
Hereditary cancer-predisposing syndrome. Also called: Neoplastic Syndromes, Hereditary; Tumor predisposition; Hereditary Cancer Syndrome; Hereditary neoplastic syndrome. Identifiers: Orphanet 140162, MedGen C0027672, MeSH D009386, MONDO:0015356.

gnomAD v4.1: 1 of 1,613,946 alleles (0.000062%); highest among the groups gnomAD compares: Non-Finnish European, 0.000085%; no homozygotes.

Submission:

Ambry Genetics
Classification: Uncertain significance for Cardiovascular phenotype; Hereditary cancer-predisposing syndrome. Last evaluated: 2026-03-16. Review status: criteria provided, single submitter. Criteria: Ambry Variant Classification Scheme 2023. Collection method: clinical testing. Allele origin: germline.
Comment: The c.400+4A>T intronic variant results from an A to T substitution 4 nucleotides after coding exon 4 in the LZTR1 gene. This nucleotide position is highly conserved in available vertebrate species. In silico splice site analysis predicts that this alteration may weaken the native splice donor site; however, direct evidence is insufficient at this time (Ambry internal data). Based on the available evidence, the clinical significance of this variant remains unclear.